The following is an entry in ClinVar:

ClinVar aggregate classification (germline): Likely benign. Review status: criteria provided, single submitter (1 of 4 stars). 2 submissions from 2 submitters: Likely benign (1). 1 of the submissions does not count toward it. Last evaluated 2026-01-12.

Conditions:
CDCA7-related disorder. Also called: CDCA7-related condition.

Allele frequency attached by ClinVar (database versions not stated): gnomAD 0.00003 and 0.00004; gnomAD exomes 0.00003 and 0.00005; TOPMed 0.00005; ExAC 0.00009; ESP Exome Variant Server 0.00015.
gnomAD v4.1: 43 of 1,613,848 alleles (0.0027%); highest among the groups gnomAD compares: Non-Finnish European, 0.0031%; no homozygotes.

Submissions (2):

Labcorp Genetics (formerly Invitae), Labcorp
Classification: Likely benign. Last evaluated: 2026-01-12. Review status: criteria provided, single submitter. Criteria: Invitae Variant Classification Sherloc (09022015). Collection method: clinical testing. Allele origin: germline.

PreventionGenetics, part of Exact Sciences
Classification: Likely benign for CDCA7-related condition. Last evaluated: 2019-06-05. Review status: no assertion criteria provided. Collection method: clinical testing. Allele origin: germline. Not counted in ClinVar's aggregate classification.
Comment: This variant is classified as likely benign based on ACMG/AMP sequence variant interpretation guidelines (Richards et al. 2015 PMID: 25741868, with internal and published modifications).

NM_031942.5(CDCA7):c.385-4T>A

Gene: CDCA7 (cell division cycle associated 7; plus strand). Cytogenetic location: 2q31.1.
Variant type: single nucleotide variant.
Coding change: c.385-4T>A on transcript NM_031942.5 (MANE Select); 4 bases into the intron before coding-DNA position 385, T replaced by A.
Molecular consequence: intron variant.
Genome position (GRCh38, 1-based): chr2:173,363,222, T>A. VCF-style: chr2-173363222-T-A. GRCh37 (hg19) VCF-style: chr2-174227950-T-A.
Other names: c.148-4T>A (NM_145810.3); c.385-4T>A (NM_031942.4).
Identifiers: ClinVar variation 1670979 (VCV001670979.10), dbSNP rs371105923, ClinGen allele CA1971230.